The following is an entry in ClinVar:

ClinVar aggregate classification (germline): Uncertain significance. Review status: criteria provided, multiple submitters, no conflicts (2 of 4 stars). 2 submissions from 2 submitters: Uncertain significance (2). Last evaluated 2025-10-27.

Conditions:
Inborn genetic diseases. Identifiers: MedGen C0950123, MeSH D030342.

Allele frequency attached by ClinVar (database versions not stated): TOPMed 0.00002; ExAC 0.00002; gnomAD exomes 0.00001; gnomAD 0.00003.
gnomAD v4.1: 21 of 1,612,316 alleles (0.0013%); highest among the groups gnomAD compares: African/African-American, 0.004%; no homozygotes.

Submissions (2):

Ambry Genetics
Classification: Uncertain significance for Inborn genetic diseases. Last evaluated: 2025-10-27. Review status: criteria provided, single submitter. Criteria: Ambry Variant Classification Scheme 2023. Collection method: clinical testing. Allele origin: germline.

Labcorp Genetics (formerly Invitae), Labcorp
Classification: Uncertain significance. Last evaluated: 2024-11-18. Review status: criteria provided, single submitter. Criteria: Invitae Variant Classification Sherloc (09022015). Collection method: clinical testing. Allele origin: germline.
Comment: This sequence change replaces arginine, which is basic and polar, with histidine, which is basic and polar, at codon 1565 of the LTBP2 protein (p.Arg1565His). This variant is present in population databases (rs767058096, gnomAD 0.004%). This variant has not been reported in the literature in individuals affected with LTBP2-related conditions. ClinVar contains an entry for this variant (Variation ID: 1358243). An algorithm developed to predict the effect of missense changes on protein structure and function outputs the following: PolyPhen-2: "Benign". The histidine amino acid residue is found in multiple mammalian species, which suggests that this missense change does not adversely affect protein function. In summary, the available evidence is currently insufficient to determine the role of this variant in disease. Therefore, it has been classified as a Variant of Uncertain Significance.

NM_000428.3(LTBP2):c.4694G>A (p.Arg1565His)

Gene: LTBP2 (latent transforming growth factor beta binding protein 2; minus strand). Cytogenetic location: 14q24.3.
Variant type: single nucleotide variant.
Coding change: c.4694G>A on transcript NM_000428.3 (MANE Select); coding-DNA position 4694, G replaced by A.
Protein change: p.Arg1565His; replaces arginine 1565 with histidine.
Molecular consequence: missense variant.
Genome position (GRCh38, 1-based): chr14:74,503,495, C>T on the plus strand (G>A on the coding strand, the complement: LTBP2 is on the minus strand). VCF-style: chr14-74503495-C-T. GRCh37 (hg19) VCF-style: chr14-74970198-C-T.
Other names: c.4694G>A (NM_000428.2); short protein forms R1565H.
Identifiers: ClinVar variation 1358243 (VCV001358243.5), dbSNP rs767058096, ClinGen allele CA7268675.